The following is an entry in ClinVar:

ClinVar aggregate classification (germline): Uncertain significance (1 of 4 stars; one submission).

Conditions:
Muscular dystrophy-dystroglycanopathy (congenital with brain and eye anomalies), type A13. Also called: WALKER-WARBURG SYNDROME OR MUSCLE-EYE-BRAIN DISEASE, B3GNT1-RELATED; Muscular dystrophy-dystroglycanopathy (congenital with brain and eye anomalies), type a, 13. Identifiers: Orphanet 899, MedGen C3809042, MONDO:0014120, OMIM 615287.

Allele frequency attached by ClinVar (database versions not stated): gnomAD exomes below 0.00001; TOPMed below 0.00001; ExAC 0.00002.

Submission:

Labcorp Genetics (formerly Invitae), Labcorp
Classification: Uncertain significance for Muscular dystrophy-dystroglycanopathy (congenital with brain and eye anomalies), type A13. Last evaluated: 2022-07-18. Review status: criteria provided, single submitter. Criteria: Invitae Variant Classification Sherloc (09022015). Collection method: clinical testing. Allele origin: germline.
Comment: In summary, the available evidence is currently insufficient to determine the role of this variant in disease. Therefore, it has been classified as a Variant of Uncertain Significance. Algorithms developed to predict the effect of missense changes on protein structure and function are either unavailable or do not agree on the potential impact of this missense change (SIFT: "Deleterious"; PolyPhen-2: "Probably Damaging"; Align-GVGD: "Class C15"). ClinVar contains an entry for this variant (Variation ID: 1442247). This variant has not been reported in the literature in individuals affected with B4GAT1-related conditions. The frequency data for this variant in the population databases is considered unreliable, as metrics indicate poor data quality at this position in the gnomAD database. This sequence change replaces tyrosine, which is neutral and polar, with histidine, which is basic and polar, at codon 45 of the B4GAT1 protein (p.Tyr45His).

NM_006876.3(B4GAT1):c.133T>C (p.Tyr45His)

Gene: B4GAT1 (beta-1,4-glucuronyltransferase 1; minus strand). Cytogenetic location: 11q13.2.
Variant type: single nucleotide variant.
Coding change: c.133T>C on transcript NM_006876.3 (MANE Select); coding-DNA position 133, T replaced by C.
Protein change: p.Tyr45His; replaces tyrosine 45 with histidine.
Molecular consequence: missense variant.
Genome position (GRCh38, 1-based): chr11:66,347,413, A>G on the plus strand (T>C on the coding strand, the complement: B4GAT1 is on the minus strand). VCF-style: chr11-66347413-A-G. GRCh37 (hg19) VCF-style: chr11-66114884-A-G.
Other names: short protein forms Y45H.
Identifiers: ClinVar variation 1442247 (VCV001442247.6), dbSNP rs780415381, ClinGen allele CA6120599.